The following is an entry in ClinVar:

ClinVar aggregate classification (germline): Uncertain significance. Review status: criteria provided, multiple submitters, no conflicts (2 of 4 stars). 2 submissions from 2 submitters: Uncertain significance (2). Last evaluated 2024-11-11.

Allele frequency attached by ClinVar (database versions not stated): ExAC 0.00001; gnomAD exomes 0.00001 and 0.00003; TOPMed 0.00002.
gnomAD v4.1: 15 of 1,614,198 alleles (0.00093%); highest among the groups gnomAD compares: Admixed American, 0.01%; no homozygotes.

Submissions (2):

Labcorp Genetics (formerly Invitae), Labcorp
Classification: Uncertain significance. Last evaluated: 2024-11-11. Review status: criteria provided, single submitter. Criteria: Invitae Variant Classification Sherloc (09022015). Collection method: clinical testing. Allele origin: germline.
Comment: This sequence change replaces glutamine, which is neutral and polar, with arginine, which is basic and polar, at codon 172 of the RNF31 protein (p.Gln172Arg). This variant is present in population databases (rs781741612, gnomAD 0.01%). This variant has not been reported in the literature in individuals affected with RNF31-related conditions. ClinVar contains an entry for this variant (Variation ID: 1675122). An algorithm developed to predict the effect of missense changes on protein structure and function (PolyPhen-2) suggests that this variant is likely to be tolerated. In summary, the available evidence is currently insufficient to determine the role of this variant in disease. Therefore, it has been classified as a Variant of Uncertain Significance.

Center for Genomics, Ann and Robert H. Lurie Children's Hospital of Chicago
Classification: Uncertain significance. Last evaluated: 2021-03-15. Review status: criteria provided, single submitter. Criteria: ACMG Guidelines, 2015. Collection method: clinical testing. Allele origin: germline.
Comment: RNF31 NM_017999.4 exon 4 p.Gln172Arg (c.515A>G): This variant has not been reported in the literature but is present in 0.01% (5/34526) of Latino alleles in the Genome Aggregation Database. Evolutionary conservation and computational predictive tools suggest that this variant may not impact the protein. In summary, data on this variant is insufficient for disease classification. Therefore, the clinical significance of this variant is uncertain.

NM_017999.5(RNF31):c.515A>G (p.Gln172Arg)

Gene: RNF31 (ring finger protein 31; plus strand). Cytogenetic location: 14q12.
Variant type: single nucleotide variant.
Coding change: c.515A>G on transcript NM_017999.5 (MANE Select); coding-DNA position 515, A replaced by G.
Protein change: p.Gln172Arg; replaces glutamine 172 with arginine.
Molecular consequence: missense variant.
Genome position (GRCh38, 1-based): chr14:24,148,661, A>G. VCF-style: chr14-24148661-A-G. GRCh37 (hg19) VCF-style: chr14-24617870-A-G.
Other names: c.62A>G, p.Gln21Arg (NM_001310332.2); short protein forms Q172R, Q21R.
Identifiers: ClinVar variation 1675122 (VCV001675122.6), dbSNP rs781741612, ClinGen allele CA7125511.